The following is an entry in ClinVar:

ClinVar aggregate classification (germline): Uncertain significance. Review status: criteria provided, multiple submitters, no conflicts (2 of 4 stars). 2 submissions from 2 submitters: Uncertain significance (2). Last evaluated 2024-07-23.

Conditions:
Retinitis pigmentosa 12 (RP12). Also called: RP WITH OR WITHOUT PPRPE; RP WITH OR WITHOUT PRESERVED PARAARTERIOLE RETINAL PIGMENT EPITHELIUM; RETINITIS PIGMENTOSA WITH OR WITHOUT PARAARTERIOLAR PRESERVATION OF RETINAL PIGMENT EPITHELIUM. Identifiers: Orphanet 791, MedGen C1838647, MONDO:0010818, OMIM 600105.
Leber congenital amaurosis 8 (LCA8). Identifiers: Orphanet 65, MedGen C3151202, MONDO:0013453, OMIM 613835.

Allele frequency attached by ClinVar (database versions not stated): gnomAD exomes below 0.00001 and 0.00001; ExAC 0.00001.
gnomAD v4.1: 5 of 1,614,232 alleles (0.00031%); highest among the groups gnomAD compares: Non-Finnish European, 0.00034%; no homozygotes.

Submissions (2):

Blueprint Genetics
Classification: Uncertain significance. Last evaluated: 2024-07-23. Review status: criteria provided, single submitter. Criteria: ACMG Guidelines, 2015. Collection method: clinical testing. Allele origin: germline.

Labcorp Genetics (formerly Invitae), Labcorp
Classification: Uncertain significance for Leber congenital amaurosis 8; Retinitis pigmentosa 12. Last evaluated: 2022-09-27. Review status: criteria provided, single submitter. Criteria: Invitae Variant Classification Sherloc (09022015). Collection method: clinical testing. Allele origin: germline.
Comment: This sequence change replaces valine, which is neutral and non-polar, with alanine, which is neutral and non-polar, at codon 1334 of the CRB1 protein (p.Val1334Ala). This variant is present in population databases (rs778684885, gnomAD 0.0009%). This variant has not been reported in the literature in individuals affected with CRB1-related conditions. ClinVar contains an entry for this variant (Variation ID: 844111). Advanced modeling of protein sequence and biophysical properties (such as structural, functional, and spatial information, amino acid conservation, physicochemical variation, residue mobility, and thermodynamic stability) has been performed at Invitae for this missense variant, however the output from this modeling did not meet the statistical confidence thresholds required to predict the impact of this variant on CRB1 protein function. In summary, the available evidence is currently insufficient to determine the role of this variant in disease. Therefore, it has been classified as a Variant of Uncertain Significance.

NM_201253.3(CRB1):c.4001T>C (p.Val1334Ala)

Gene: CRB1 (crumbs cell polarity complex component 1; plus strand). Cytogenetic location: 1q31.3.
Variant type: single nucleotide variant.
Coding change: c.4001T>C on transcript NM_201253.3 (MANE Select); coding-DNA position 4001, T replaced by C.
Protein change: p.Val1334Ala; replaces valine 1334 with alanine.
Molecular consequence: missense variant. On other transcripts: non-coding transcript variant (2).
Genome position (GRCh38, 1-based): chr1:197,442,288, T>C. VCF-style: chr1-197442288-T-C. GRCh37 (hg19) VCF-style: chr1-197411418-T-C.
Other names: c.3665T>C, p.Val1222Ala (NM_001193640.2); c.3929T>C, p.Val1310Ala (NM_001257965.2); c.2393T>C, p.Val798Ala (NM_001257966.2); short protein forms V1310A, V1222A, V1334A, V798A.
Identifiers: ClinVar variation 844111 (VCV000844111.7), dbSNP rs778684885, ClinGen allele CA1312462.